The following is an entry in ClinVar:

NM_000138.5(FBN1):c.5558G>C (p.Cys1853Ser)

Gene: FBN1 (fibrillin 1; minus strand). Cytogenetic location: 15q21.1.
Variant type: single nucleotide variant.
Coding change: c.5558G>C on transcript NM_000138.5 (MANE Select); coding-DNA position 5558, G replaced by C.
Protein change: p.Cys1853Ser; replaces cysteine 1853 with serine.
Molecular consequence: missense variant.
Genome position (GRCh38, 1-based): chr15:48,448,881, C>G on the plus strand (G>C on the coding strand, the complement: FBN1 is on the minus strand). VCF-style: chr15-48448881-C-G. GRCh37 (hg19) VCF-style: chr15-48741078-C-G.
Other names: short protein forms C1853S.
Identifiers: ClinVar variation 549290 (VCV000549290.3), dbSNP rs1555395989, ClinGen allele CA392342527.

ClinVar aggregate classification (germline): Pathogenic. Review status: criteria provided, single submitter (1 of 4 stars). 2 submissions from 2 submitters: Pathogenic (1). 1 of the submissions does not count toward it. Last evaluated 2024-08-31.

Conditions:
Familial thoracic aortic aneurysm and aortic dissection (TAAD). Also called: Thoracic aortic aneurysms and dissections. Identifiers: Orphanet 91387, MedGen C4707243, MONDO:0019625.
Marfan syndrome (MFS). Also called: Marfan syndrome type 1; Marfan syndrome, classic; Marfan's syndrome; FBN1-Related Marfan Syndrome; MARFAN SYNDROME, TYPE I. Identifiers: Orphanet 284963, Orphanet 558, MedGen C0024796, MONDO:0007947, OMIM 154700.

Submissions (2):

Labcorp Genetics (formerly Invitae), Labcorp
Classification: Pathogenic for Marfan syndrome; Familial thoracic aortic aneurysm and aortic dissection. Last evaluated: 2024-08-31. Review status: criteria provided, single submitter. Criteria: Invitae Variant Classification Sherloc (09022015). Collection method: clinical testing. Allele origin: germline.
Comment: This sequence change replaces cysteine, which is neutral and slightly polar, with serine, which is neutral and polar, at codon 1853 of the FBN1 protein (p.Cys1853Ser). This variant is not present in population databases (gnomAD no frequency). This missense change has been observed in individual(s) with Marfan syndrome (PMID: 25644172). ClinVar contains an entry for this variant (Variation ID: 549290). Invitae Evidence Modeling of protein sequence and biophysical properties (such as structural, functional, and spatial information, amino acid conservation, physicochemical variation, residue mobility, and thermodynamic stability) indicates that this missense variant is expected to disrupt FBN1 protein function with a positive predictive value of 95%. This variant affects a cysteine residue in the EGF-like, TGFBP or hybrid motif domains of FBN1. Cysteine residues are believed to be involved in intramolecular disulfide bridges and have been shown to be important for FBN1 protein structure (PMID: 16905551, 19349279). In addition, missense substitutions affecting cysteine residues within these domains are significantly overrepresented among patients with Marfan syndrome (PMID: 16571647, 17701892). This variant disrupts the p.Cys1853 amino acid residue in FBN1. Other variant(s) that disrupt this residue have been observed in individuals with FBN1-related conditions (PMID: 25644172; internal data), which suggests that this may be a clinically significant amino acid residue. For these reasons, this variant has been classified as Pathogenic.

Center for Medical Genetics Ghent, University of Ghent
Classification: Pathogenic for Marfan syndrome. Last evaluated: 2017-11-07. Review status: no assertion criteria provided. Collection method: clinical testing. Allele origin: de novo. Affected: yes. Not counted in ClinVar's aggregate classification.

Literature cited by the submitters: PubMed 25644172 (cited by Labcorp Genetics (formerly Invitae), Labcorp); PubMed 16905551 (cited by Labcorp Genetics (formerly Invitae), Labcorp); PubMed 19349279 (cited by Labcorp Genetics (formerly Invitae), Labcorp); PubMed 16571647 (cited by Labcorp Genetics (formerly Invitae), Labcorp); PubMed 17701892 (cited by Labcorp Genetics (formerly Invitae), Labcorp).